The following is an entry in ClinVar:

NM_004463.3(FGD1):c.1340+1G>T

Gene: FGD1 (FYVE, RhoGEF and PH domain containing 1; minus strand). Cytogenetic location: Xp11.22.
Variant type: single nucleotide variant.
Coding change: c.1340+1G>T on transcript NM_004463.3 (MANE Select); the canonical splice donor site of the intron after coding-DNA position 1340, G replaced by T.
Molecular consequence: splice donor variant.
Genome position (GRCh38, 1-based): chrX:54,467,783, C>A on the plus strand (G>T on the coding strand, the complement: FGD1 is on the minus strand). VCF-style: chrX-54467783-C-A. GRCh37 (hg19) VCF-style: chrX-54494216-C-A.
Identifiers: ClinVar variation 4851303 (VCV004851303.1).

ClinVar aggregate classification (germline): Likely pathogenic (1 of 4 stars; one submission).

Conditions:
Aarskog syndrome (AAS). Also called: Aarskog Scott syndrome; Aarskog disease; FGD1-Related Faciogenital Dysplasia (Aarskog-Scott Syndrome); Aarskog-Scott syndrome, X-linked; FGDY. Identifiers: Orphanet 915, MedGen C0175701, MONDO:0010589, OMIM 305400.

Submission:

Center for Human Genetics and Genomic Medicine, Uniklinik Rwth Aachen
Classification: Likely pathogenic for Aarskog syndrome. Last evaluated: 2026-04-21. Review status: criteria provided, single submitter. Criteria: ACMG Guidelines, 2015. Collection method: clinical testing. Allele origin: maternal. Inheritance: X-linked inheritance. Affected: yes. Observed: 1 variant allele, 1 hemizygote.
Comment: This variant has not yet been reported in the general population (gnomAD v4.1.0) (as of April 21, 2026, PM2_supporting). SpliceAI shows high prediction scores (acceptor loss: 0.17, donor loss: 0.99), suggesting a significant impact on splicing (PVS1).